The following is an entry in ClinVar:

ClinVar aggregate classification (germline): Uncertain significance. Review status: criteria provided, multiple submitters, no conflicts (2 of 4 stars). 2 submissions from 2 submitters: Uncertain significance (2). Last evaluated 2025-07-31.

Conditions:
Hereditary cancer-predisposing syndrome. Also called: Neoplastic Syndromes, Hereditary; Tumor predisposition; Hereditary neoplastic syndrome; Hereditary Cancer Syndrome. Identifiers: Orphanet 140162, MedGen C0027672, MeSH D009386, MONDO:0015356.

Allele frequency attached by ClinVar (database versions not stated): gnomAD exomes below 0.00001.
gnomAD v4.1: 2 of 1,613,538 alleles (0.00012%); highest among the groups gnomAD compares: Non-Finnish European, 0.00017%; no homozygotes.

Submissions (2):

Labcorp Genetics (formerly Invitae), Labcorp
Classification: Uncertain significance. Last evaluated: 2025-07-31. Review status: criteria provided, single submitter. Criteria: Invitae Variant Classification Sherloc (09022015). Collection method: clinical testing. Allele origin: germline.
Comment: This sequence change replaces asparagine, which is neutral and polar, with serine, which is neutral and polar, at codon 793 of the MSH3 protein (p.Asn793Ser). This variant is not present in population databases (gnomAD no frequency). This variant has not been reported in the literature in individuals affected with MSH3-related conditions. ClinVar contains an entry for this variant (Variation ID: 642616). An algorithm developed to predict the effect of missense changes on protein structure and function (PolyPhen-2) suggests that this variant is likely to be tolerated. In summary, the available evidence is currently insufficient to determine the role of this variant in disease. Therefore, it has been classified as a Variant of Uncertain Significance.

Ambry Genetics
Classification: Uncertain significance for Hereditary cancer-predisposing syndrome. Last evaluated: 2024-01-29. Review status: criteria provided, single submitter. Criteria: Ambry Variant Classification Scheme 2023. Collection method: clinical testing. Allele origin: germline.
Comment: The p.N793S variant (also known as c.2378A>G), located in coding exon 17 of the MSH3 gene, results from an A to G substitution at nucleotide position 2378. The asparagine at codon 793 is replaced by serine, an amino acid with highly similar properties. This amino acid position is well conserved in available vertebrate species. In addition, this alteration is predicted to be tolerated by in silico analysis. Since supporting evidence is limited at this time, the clinical significance of this alteration remains unclear.

NM_002439.5(MSH3):c.2378A>G (p.Asn793Ser)

Gene: MSH3 (mutS homolog 3; plus strand). Cytogenetic location: 5q14.1.
Variant type: single nucleotide variant.
Coding change: c.2378A>G on transcript NM_002439.5 (MANE Select); coding-DNA position 2378, A replaced by G.
Protein change: p.Asn793Ser; replaces asparagine 793 with serine.
Molecular consequence: missense variant.
Genome position (GRCh38, 1-based): chr5:80,778,779, A>G. VCF-style: chr5-80778779-A-G. GRCh37 (hg19) VCF-style: chr5-80074598-A-G.
Other names: short protein forms N793S.
Identifiers: ClinVar variation 642616 (VCV000642616.11), dbSNP rs1580045587, ClinGen allele CA360281822.